The following is an entry in ClinVar:

ClinVar aggregate classification (germline): Likely benign. Review status: criteria provided, multiple submitters, no conflicts (2 of 4 stars). 2 submissions from 2 submitters: Likely benign (2). Last evaluated 2023-08-15.

Conditions:
Neurofibromatosis, type 2 (SWNV). Also called: NF2-Related Schwannomatosis; SCHWANNOMATOSIS, VESTIBULAR; BILATERAL ACOUSTIC NEUROFIBROMATOSIS. Identifiers: Orphanet 637, MedGen C0027832, MONDO:0007039, OMIM 101000. Disease mechanism: loss of function.
Hereditary cancer-predisposing syndrome. Also called: Tumor predisposition; Neoplastic Syndromes, Hereditary; Hereditary Cancer Syndrome; Hereditary neoplastic syndrome. Identifiers: Orphanet 140162, MedGen C0027672, MeSH D009386, MONDO:0015356.

Allele frequency attached by ClinVar (database versions not stated): TOPMed below 0.00001; gnomAD 0.00001.
gnomAD v4.1: 4 of 1,593,728 alleles (0.00025%); highest among the groups gnomAD compares: Non-Finnish European, 0.00034%; no homozygotes.

Submissions (2):

All of Us Research Program, National Institutes of Health
Classification: Likely benign for Neurofibromatosis, type 2. Last evaluated: 2023-08-15. Review status: criteria provided, single submitter. Criteria: ACMG Guidelines, 2015. Collection method: clinical testing. Allele origin: germline. Inheritance: Autosomal dominant inheritance. Observed: 1 variant allele, 1 heterozygote.
Comment: This study involves interpretation of variants in research participants for the purpose of population health screening. Participant phenotype was not available at the time of variant classification. Additional details can be found in publication PMID: 35346344, PMCID: PMC8962531

Ambry Genetics
Classification: Likely benign for Hereditary cancer-predisposing syndrome. Last evaluated: 2021-11-08. Review status: criteria provided, single submitter. Criteria: Ambry Variant Classification Scheme 2023. Collection method: clinical testing. Allele origin: germline.

NM_000268.4(NF2):c.21C>T (p.Ser7=)

Gene: NF2 (NF2, moesin-ezrin-radixin like (MERLIN) tumor suppressor; plus strand). Cytogenetic location: 22q12.2.
Variant type: single nucleotide variant.
Coding change: c.21C>T on transcript NM_000268.4 (MANE Select); coding-DNA position 21, C replaced by T.
Protein change: p.Ser7=; no amino-acid change (serine 7 retained).
Molecular consequence: synonymous variant. On other transcripts: 5 prime UTR variant (4), non-coding transcript variant (1).
Genome position (GRCh38, 1-based): chr22:29,604,019, C>T. VCF-style: chr22-29604019-C-T. GRCh37 (hg19) VCF-style: chr22-30000008-C-T.
Other names: c.-210C>T (NM_001407053.1, NM_001407056.1); c.21C>T, p.Ser7= (NM_001407054.1, NM_001407055.1, NM_001407057.1 and 15 more transcripts); c.-620C>T (NM_001407065.1); c.-236C>T (NM_001407067.1).
Identifiers: ClinVar variation 1787595 (VCV001787595.3), dbSNP rs1208509021, ClinGen allele CA514184071.